The following is an entry in ClinVar:

NM_006267.5(RANBP2):c.3995A>G (p.Lys1332Arg)

Gene: RANBP2 (RAN binding protein 2; plus strand). Cytogenetic location: 2q13.
Variant type: single nucleotide variant.
Coding change: c.3995A>G on transcript NM_006267.5 (MANE Select); coding-DNA position 3995, A replaced by G.
Protein change: p.Lys1332Arg; replaces lysine 1332 with arginine.
Molecular consequence: missense variant.
Genome position (GRCh38, 1-based): chr2:108,764,534, A>G. VCF-style: chr2-108764534-A-G. GRCh37 (hg19) VCF-style: chr2-109380990-A-G.
Other names: short protein forms K1332R.
Identifiers: ClinVar variation 1058938 (VCV001058938.10), dbSNP rs2149274350, ClinGen allele CA348063919.

ClinVar aggregate classification (germline): Uncertain significance (1 of 4 stars; one submission).

Conditions:
Familial acute necrotizing encephalopathy (IIAE3). Also called: ENCEPHALOPATHY, ACUTE, INFECTION-INDUCED, SUSCEPTIBILITY TO, 3; Susceptibility to Acute Necrotizing Encephalopathy 1. Identifiers: Orphanet 88619, MedGen C2675556, MONDO:0011953, OMIM 608033.

gnomAD v4.1: 1 of 1,614,016 alleles (0.000062%); highest among the groups gnomAD compares: Non-Finnish European, 0.000085%; no homozygotes.

Submission:

Labcorp Genetics (formerly Invitae), Labcorp
Classification: Uncertain significance for Familial acute necrotizing encephalopathy. Last evaluated: 2022-08-23. Review status: criteria provided, single submitter. Criteria: Invitae Variant Classification Sherloc (09022015). Collection method: clinical testing. Allele origin: germline.
Comment: In summary, the available evidence is currently insufficient to determine the role of this variant in disease. Therefore, it has been classified as a Variant of Uncertain Significance. Algorithms developed to predict the effect of missense changes on protein structure and function are either unavailable or do not agree on the potential impact of this missense change (SIFT: "Deleterious"; PolyPhen-2: "Benign"; Align-GVGD: "Class C25"). ClinVar contains an entry for this variant (Variation ID: 1058938). This variant has not been reported in the literature in individuals affected with RANBP2-related conditions. This variant is not present in population databases (gnomAD no frequency). This sequence change replaces lysine, which is basic and polar, with arginine, which is basic and polar, at codon 1332 of the RANBP2 protein (p.Lys1332Arg).